The following is an entry in ClinVar:

NM_006017.3(PROM1):c.392G>A (p.Cys131Tyr)

Gene: PROM1 (prominin 1; minus strand). Cytogenetic location: 4p15.32.
Variant type: single nucleotide variant.
Coding change: c.392G>A on transcript NM_006017.3 (MANE Select); coding-DNA position 392, G replaced by A.
Protein change: p.Cys131Tyr; replaces cysteine 131 with tyrosine.
Molecular consequence: missense variant. On other transcripts: non-coding transcript variant (2).
Genome position (GRCh38, 1-based): chr4:16,033,421, C>T on the plus strand (G>A on the coding strand, the complement: PROM1 is on the minus strand). VCF-style: chr4-16033421-C-T. GRCh37 (hg19) VCF-style: chr4-16035044-C-T.
Other names: c.365G>A, p.Cys122Tyr (NM_001145847.2, NM_001145848.2, NM_001145851.2 and 10 more transcripts); c.392G>A, p.Cys131Tyr (NM_001145849.2, NM_001145850.2); c.26G>A, p.Cys9Tyr (NM_001441179.1); short protein forms C122Y, C131Y, C9Y.
Identifiers: ClinVar variation 4694096 (VCV004694096.1).

ClinVar aggregate classification (germline): Uncertain significance (1 of 4 stars; one submission).

gnomAD v4.1: 2 of 1,613,712 alleles (0.00012%); highest among the groups gnomAD compares: Admixed American, 0.0033%; no homozygotes.

Submission:

Labcorp Genetics (formerly Invitae), Labcorp
Classification: Uncertain significance. Last evaluated: 2025-09-21. Review status: criteria provided, single submitter. Criteria: Invitae Variant Classification Sherloc (09022015). Collection method: clinical testing. Allele origin: germline.
Comment: This sequence change replaces cysteine, which is neutral and slightly polar, with tyrosine, which is neutral and polar, at codon 131 of the PROM1 protein (p.Cys131Tyr). The frequency data for this variant in the population databases is considered unreliable, as metrics indicate poor data quality at this position in the gnomAD database. This variant has not been reported in the literature in individuals affected with PROM1-related conditions. Invitae Evidence Modeling of protein sequence and biophysical properties (such as structural, functional, and spatial information, amino acid conservation, physicochemical variation, residue mobility, and thermodynamic stability) indicates that this missense variant is expected to disrupt PROM1 protein function with a positive predictive value of 80%. In summary, the available evidence is currently insufficient to determine the role of this variant in disease. Therefore, it has been classified as a Variant of Uncertain Significance.